The following is an entry in ClinVar:

ClinVar aggregate classification (germline): Uncertain significance (1 of 4 stars; one submission).

Conditions:
Cardiovascular phenotype. Identifiers: MedGen CN230736.

Submission:

Ambry Genetics
Classification: Uncertain significance for Cardiovascular phenotype. Last evaluated: 2021-07-18. Review status: criteria provided, single submitter. Criteria: Ambry Variant Classification Scheme 2023. Collection method: clinical testing. Allele origin: germline.
Comment: The p.R451S variant (also known as c.1351C>A), located in coding exon 11 of the DSP gene, results from a C to A substitution at nucleotide position 1351. The arginine at codon 451 is replaced by serine, an amino acid with dissimilar properties. This amino acid position is conserved. In addition, this alteration is predicted to be deleterious by in silico analysis. Since supporting evidence is limited at this time, the clinical significance of this alteration remains unclear.

NM_004415.4(DSP):c.1351C>A (p.Arg451Ser)

Gene: DSP (desmoplakin; plus strand). Cytogenetic location: 6p24.3.
Variant type: single nucleotide variant.
Coding change: c.1351C>A on transcript NM_004415.4 (MANE Select); coding-DNA position 1351, C replaced by A.
Protein change: p.Arg451Ser; replaces arginine 451 with serine.
Molecular consequence: missense variant.
Genome position (GRCh38, 1-based): chr6:7,568,521, C>A. VCF-style: chr6-7568521-C-A. GRCh37 (hg19) VCF-style: chr6-7568754-C-A.
Other names: c.1351C>A, p.Arg451Ser (NM_001008844.3, NM_001319034.2, NM_001406591.1); short protein forms R451S.
Identifiers: ClinVar variation 1770611 (VCV001770611.2), dbSNP rs1057518309, ClinGen allele CA362676534.